The following is an entry in ClinVar:

NM_152383.5(DIS3L2):c.10C>A (p.Pro4Thr)

Gene: DIS3L2 (DIS3 like 3'-5' exoribonuclease 2; plus strand). Cytogenetic location: 2q37.1.
Variant type: single nucleotide variant.
Coding change: c.10C>A on transcript NM_152383.5 (MANE Select); coding-DNA position 10, C replaced by A.
Protein change: p.Pro4Thr; replaces proline 4 with threonine.
Molecular consequence: missense variant. On other transcripts: non-coding transcript variant (2).
Genome position (GRCh38, 1-based): chr2:232,014,937, C>A. VCF-style: chr2-232014937-C-A. GRCh37 (hg19) VCF-style: chr2-232879647-C-A.
Other names: c.10C>A, p.Pro4Thr (NM_001257281.2, NM_001257282.2); short protein forms P4T.
Identifiers: ClinVar variation 943662 (VCV000943662.8), dbSNP rs1431824314, ClinGen allele CA351151035.
Genomic context (GRCh38, chr2:232,014,937, plus strand): 5'-GCAGTGGAGGTTTCTCTGGATCTGGAGAGAAGAGTGACCTTGGAGCCAATAATGAGCCAT[C>A]CTGACTACAGAATGAACCTCCGGCCCCTGGGGACCCCCAGAGGTAGTAAAAGGAAAATGG-3'
Protein context (NP_689596.4, residues 1-14): MSH[Pro4Thr]DYRMNLRPLG

ClinVar aggregate classification (germline): Uncertain significance. Review status: criteria provided, multiple submitters, no conflicts (2 of 4 stars). 2 submissions from 2 submitters: Uncertain significance (2). Last evaluated 2025-03-14.

Conditions:
Inborn genetic diseases. Identifiers: MedGen C0950123, MeSH D030342.
Perlman syndrome (PRLMNS). Identifiers: Orphanet 2849, MedGen C0796113, MONDO:0009965, OMIM 267000.

Allele frequency attached by ClinVar (database versions not stated): gnomAD exomes below 0.00001.
gnomAD v4.1: 1 of 1,613,978 alleles (0.000062%); highest among the groups gnomAD compares: African/African-American, 0.0013%; no homozygotes.

Submissions (2):

Ambry Genetics
Classification: Uncertain significance for Inborn genetic diseases. Last evaluated: 2025-03-14. Review status: criteria provided, single submitter. Criteria: Ambry Variant Classification Scheme 2023. Collection method: clinical testing. Allele origin: germline.

Labcorp Genetics (formerly Invitae), Labcorp
Classification: Uncertain significance for Perlman syndrome. Last evaluated: 2022-05-14. Review status: criteria provided, single submitter. Criteria: Invitae Variant Classification Sherloc (09022015). Collection method: clinical testing. Allele origin: germline.
Comment: This sequence change replaces proline, which is neutral and non-polar, with threonine, which is neutral and polar, at codon 4 of the DIS3L2 protein (p.Pro4Thr). This variant is present in population databases (no rsID available, gnomAD 0.007%). This variant has not been reported in the literature in individuals affected with DIS3L2-related conditions. ClinVar contains an entry for this variant (Variation ID: 943662). Algorithms developed to predict the effect of missense changes on protein structure and function (SIFT, PolyPhen-2, Align-GVGD) all suggest that this variant is likely to be tolerated. In summary, the available evidence is currently insufficient to determine the role of this variant in disease. Therefore, it has been classified as a Variant of Uncertain Significance.